The following is an entry in ClinVar:

ClinVar aggregate classification (germline): Uncertain significance (1 of 4 stars; one submission).

Conditions:
Charcot-Marie-Tooth disease axonal type 2Z. Also called: CHARCOT-MARIE-TOOTH DISEASE, AXONAL, AUTOSOMAL DOMINANT, TYPE 2Z; CHARCOT-MARIE-TOOTH NEUROPATHY, TYPE 2Z. Identifiers: Orphanet 466768, MedGen C5569025, MONDO:0014736, OMIM 616688.

Submission:

Labcorp Genetics (formerly Invitae), Labcorp
Classification: Uncertain significance for Charcot-Marie-Tooth disease axonal type 2Z. Last evaluated: 2024-11-12. Review status: criteria provided, single submitter. Criteria: Invitae Variant Classification Sherloc (09022015). Collection method: clinical testing. Allele origin: germline.
Comment: This sequence change replaces threonine, which is neutral and polar, with isoleucine, which is neutral and non-polar, at codon 664 of the MORC2 protein (p.Thr664Ile). This variant is not present in population databases (gnomAD no frequency). This variant has not been reported in the literature in individuals affected with MORC2-related conditions. Invitae Evidence Modeling of protein sequence and biophysical properties (such as structural, functional, and spatial information, amino acid conservation, physicochemical variation, residue mobility, and thermodynamic stability) indicates that this missense variant is not expected to disrupt MORC2 protein function with a negative predictive value of 80%. In summary, the available evidence is currently insufficient to determine the role of this variant in disease. Therefore, it has been classified as a Variant of Uncertain Significance.

NM_001303256.3(MORC2):c.1991C>T (p.Thr664Ile)

Gene: MORC2 (MORC family CW-type zinc finger 2; minus strand). Cytogenetic location: 22q12.2.
Variant type: single nucleotide variant.
Coding change: c.1991C>T on transcript NM_001303256.3 (MANE Select); coding-DNA position 1991, C replaced by T.
Protein change: p.Thr664Ile; replaces threonine 664 with isoleucine.
Molecular consequence: missense variant.
Genome position (GRCh38, 1-based): chr22:30,934,983, G>A on the plus strand (C>T on the coding strand, the complement: MORC2 is on the minus strand). VCF-style: chr22-30934983-G-A. GRCh37 (hg19) VCF-style: chr22-31330970-G-A.
Other names: c.1991C>T, p.Thr664Ile (NM_001303257.2); c.1805C>T, p.Thr602Ile (NM_014941.3); short protein forms T602I, T664I.
Identifiers: ClinVar variation 3707399 (VCV003707399.2).